The following is an entry in ClinVar:

ClinVar aggregate classification (germline): Uncertain significance (1 of 4 stars; one submission).

Conditions:
Hereditary cancer-predisposing syndrome. Also called: Tumor predisposition; Hereditary Cancer Syndrome; Hereditary neoplastic syndrome; Neoplastic Syndromes, Hereditary. Identifiers: Orphanet 140162, MedGen C0027672, MeSH D009386, MONDO:0015356.

gnomAD v4.1: 1 of 1,415,422 alleles (0.000071%); highest among the groups gnomAD compares: Non-Finnish European, 0.000095%; no homozygotes.

Submission:

Ambry Genetics
Classification: Uncertain significance for Hereditary cancer-predisposing syndrome. Last evaluated: 2025-10-21. Review status: criteria provided, single submitter. Criteria: Ambry Variant Classification Scheme 2023. Collection method: clinical testing. Allele origin: germline.
Comment: The c.1421+4A>T intronic variant results from an A to T substitution 4 nucleotides after coding exon 15 in the RB1 gene. This nucleotide position is not well conserved in available vertebrate species. In silico splice site analysis predicts that this alteration may weaken the native splice donor site. Based on the available evidence, the clinical significance of this variant remains unclear.

NM_000321.3(RB1):c.1421+4A>T

Gene: RB1 (RB transcriptional corepressor 1; plus strand). Cytogenetic location: 13q14.2.
Variant type: single nucleotide variant.
Coding change: c.1421+4A>T on transcript NM_000321.3 (MANE Select); 4 bases into the intron after coding-DNA position 1421, A replaced by T.
Molecular consequence: intron variant.
Genome position (GRCh38, 1-based): chr13:48,380,088, A>T. VCF-style: chr13-48380088-A-T. GRCh37 (hg19) VCF-style: chr13-48954224-A-T.
Other names: c.1421+4A>T (NM_001407165.1, NM_001407166.1).
Identifiers: ClinVar variation 4544023 (VCV004544023.1).
Genomic context (GRCh38, chr13:48,380,088, plus strand): 5'-TTTTTTTTTAAATTATCTGTTTCAGGAAGAAGAACGATTATCCATTCAAAATTTTAGGTA[A>T]ATTTTTTACTTTTAGTAAAAAATTTTTTTCTTTTTATAGAAGTAAGTATTTTATAATCTT-3'